The following is an entry in ClinVar:

ClinVar aggregate classification (germline): Uncertain significance. Review status: criteria provided, multiple submitters, no conflicts (2 of 4 stars). 2 submissions from 2 submitters: Uncertain significance (2). Last evaluated 2024-01-16.

Allele frequency attached by ClinVar (database versions not stated): ExAC 0.00001; gnomAD exomes 0.00003 and 0.00004; gnomAD 0.00004; TOPMed 0.00006; 1000 Genomes Project 30x 0.00016; 1000 Genomes Project 0.00020.

Submissions (2):

Blueprint Genetics
Classification: Uncertain significance. Last evaluated: 2024-01-16. Review status: criteria provided, single submitter. Criteria: ACMG Guidelines, 2015. Collection method: clinical testing. Allele origin: germline.

Labcorp Genetics (formerly Invitae), Labcorp
Classification: Uncertain significance. Last evaluated: 2022-08-22. Review status: criteria provided, single submitter. Criteria: Invitae Variant Classification Sherloc (09022015). Collection method: clinical testing. Allele origin: germline.
Comment: This sequence change replaces arginine, which is basic and polar, with tryptophan, which is neutral and slightly polar, at codon 397 of the CEP250 protein (p.Arg397Trp). This variant is present in population databases (rs187123562, gnomAD 0.01%). This variant has not been reported in the literature in individuals affected with CEP250-related conditions. ClinVar contains an entry for this variant (Variation ID: 1379361). Algorithms developed to predict the effect of missense changes on protein structure and function are either unavailable or do not agree on the potential impact of this missense change (SIFT: "Not Available"; PolyPhen-2: "Possibly Damaging"; Align-GVGD: "Not Available"). In summary, the available evidence is currently insufficient to determine the role of this variant in disease. Therefore, it has been classified as a Variant of Uncertain Significance.

NM_007186.6(CEP250):c.1189C>T (p.Arg397Trp)

Genes: CEP250 (centrosomal protein 250; plus strand), CEP250-AS1 (CEP250 antisense RNA 1; minus strand). Cytogenetic location: 20q11.22.
Variant type: single nucleotide variant.
Coding change: c.1189C>T on transcript NM_007186.6 (MANE Select); coding-DNA position 1189, C replaced by T.
Protein change: p.Arg397Trp; replaces arginine 397 with tryptophan.
Molecular consequence: missense variant. On other transcripts: 5 prime UTR variant (1).
Genome position (GRCh38, 1-based): chr20:35,472,811, C>T. VCF-style: chr20-35472811-C-T. GRCh37 (hg19) VCF-style: chr20-34060636-C-T.
Other names: c.-711C>T (NM_001318219.1); short protein forms R397W.
Identifiers: ClinVar variation 1379361 (VCV001379361.4), dbSNP rs187123562, ClinGen allele CA9832835.